The following is an entry in ClinVar:

ClinVar aggregate classification (germline): Uncertain significance (1 of 4 stars; one submission).

Submission:

GeneDx
Classification: Uncertain significance. Last evaluated: 2026-04-22. Review status: criteria provided, single submitter. Criteria: GeneDx Variant Classification Process June 2021. Collection method: clinical testing. Allele origin: germline.
Comment: Not observed at significant frequency in large population cohorts (gnomAD); In silico analysis supports that this missense variant has a deleterious effect on protein structure/function; Has not been previously published as pathogenic or benign to our knowledge; This variant is associated with the following publications: (PMID: 27839871)

NM_000834.5(GRIN2B):c.1582C>T (p.Pro528Ser)

Gene: GRIN2B (glutamate ionotropic receptor NMDA type subunit 2B; minus strand). Cytogenetic location: 12p13.1.
Variant type: single nucleotide variant.
Coding change: c.1582C>T on transcript NM_000834.5 (MANE Select); coding-DNA position 1582, C replaced by T.
Protein change: p.Pro528Ser; replaces proline 528 with serine.
Molecular consequence: missense variant.
Genome position (GRCh38, 1-based): chr12:13,615,186, G>A on the plus strand (C>T on the coding strand, the complement: GRIN2B is on the minus strand). VCF-style: chr12-13615186-G-A. GRCh37 (hg19) VCF-style: chr12-13768120-G-A.
Other names: c.1582C>T, p.Pro528Ser (NM_001413992.1); short protein forms P528S.
Identifiers: ClinVar variation 5037585 (VCV005037585.1).
Genomic context (GRCh38, chr12:13,615,186, plus strand): 5'-AAGGTGAGACAGTCCCATTGCTGCGTGACACCATGACACTGATGCCTGTCTCTATGAAGG[G>A]CACAGAGAAGTCGACCACCTCCGATCGTTCCTCATTGATGGTGAGTGAGCCCACTGCCAT-3'
Protein context (NP_000825.2, residues 518-538): ERSEVVDFSV[Pro528Ser]FIETGISVMV